The following is an entry in ClinVar:

NM_003128.3(SPTBN1):c.4517C>G (p.Pro1506Arg)

Gene: SPTBN1 (spectrin beta, non-erythrocytic 1; plus strand). Cytogenetic location: 2p16.2.
Variant type: single nucleotide variant.
Coding change: c.4517C>G on transcript NM_003128.3 (MANE Select); coding-DNA position 4517, C replaced by G.
Protein change: p.Pro1506Arg; replaces proline 1506 with arginine.
Molecular consequence: missense variant.
Genome position (GRCh38, 1-based): chr2:54,645,950, C>G. VCF-style: chr2-54645950-C-G. GRCh37 (hg19) VCF-style: chr2-54873087-C-G.
Other names: c.4478C>G, p.Pro1493Arg (NM_178313.3); short protein forms P1493R, P1506R.
Identifiers: ClinVar variation 5017039 (VCV005017039.1).

ClinVar aggregate classification (germline): Uncertain significance (1 of 4 stars; one submission).

gnomAD v4.1: 1 of 1,614,172 alleles (0.000062%); highest among the groups gnomAD compares: Non-Finnish European, 0.000085%; no homozygotes.

Submission:

GeneDx
Classification: Uncertain significance. Last evaluated: 2026-03-24. Review status: criteria provided, single submitter. Criteria: GeneDx Variant Classification Process June 2021. Collection method: clinical testing. Allele origin: germline.
Comment: Not observed at significant frequency in large population cohorts (gnomAD); In silico analysis supports that this missense variant has a deleterious effect on protein structure/function; Has not been previously published as pathogenic or benign to our knowledge